The following is an entry in ClinVar:

NM_030665.4(RAI1):c.2743G>A (p.Gly915Ser)

Gene: RAI1 (retinoic acid induced 1; plus strand). Cytogenetic location: 17p11.2.
Variant type: single nucleotide variant.
Coding change: c.2743G>A on transcript NM_030665.4 (MANE Select); coding-DNA position 2743, G replaced by A.
Protein change: p.Gly915Ser; replaces glycine 915 with serine.
Molecular consequence: missense variant.
Genome position (GRCh38, 1-based): chr17:17,795,691, G>A. VCF-style: chr17-17795691-G-A. GRCh37 (hg19) VCF-style: chr17-17699005-G-A.
Other names: short protein forms G915S.
Identifiers: ClinVar variation 4772605 (VCV004772605.1).

ClinVar aggregate classification (germline): Uncertain significance (1 of 4 stars; one submission).

gnomAD v4.1: 1 of 1,613,322 alleles (0.000062%); highest among the groups gnomAD compares: Non-Finnish European, 0.000085%; no homozygotes.

Submission:

Labcorp Genetics (formerly Invitae), Labcorp
Classification: Uncertain significance. Last evaluated: 2025-06-01. Review status: criteria provided, single submitter. Criteria: Invitae Variant Classification Sherloc (09022015). Collection method: clinical testing. Allele origin: germline.
Comment: This sequence change replaces glycine, which is neutral and non-polar, with serine, which is neutral and polar, at codon 915 of the RAI1 protein (p.Gly915Ser). This variant is not present in population databases (gnomAD no frequency). This variant has not been reported in the literature in individuals affected with RAI1-related conditions. Invitae Evidence Modeling of protein sequence and biophysical properties (such as structural, functional, and spatial information, amino acid conservation, physicochemical variation, residue mobility, and thermodynamic stability) indicates that this missense variant is not expected to disrupt RAI1 protein function with a negative predictive value of 80%. In summary, the available evidence is currently insufficient to determine the role of this variant in disease. Therefore, it has been classified as a Variant of Uncertain Significance.